The following is an entry in ClinVar:

ClinVar aggregate classification (germline): Uncertain significance. Review status: criteria provided, multiple submitters, no conflicts (2 of 4 stars). 2 submissions from 2 submitters: Uncertain significance (2). Last evaluated 2025-05-21.

Conditions:
Familial cancer of breast. Also called: BREAST CANCER, FAMILIAL; Hereditary breast cancer; hereditary breast carcinoma. Identifiers: Orphanet 227535, MedGen C0346153, MONDO:0016419, OMIM 114480. Disease mechanism: loss of function.
Hereditary cancer-predisposing syndrome. Also called: Neoplastic Syndromes, Hereditary; Tumor predisposition; Hereditary neoplastic syndrome; Hereditary Cancer Syndrome. Identifiers: Orphanet 140162, MedGen C0027672, MeSH D009386, MONDO:0015356.

gnomAD v4.1: 1 of 1,614,082 alleles (0.000062%); highest among the groups gnomAD compares: Non-Finnish European, 0.000085%; no homozygotes.

Submissions (2):

Labcorp Genetics (formerly Invitae), Labcorp
Classification: Uncertain significance for Familial cancer of breast. Last evaluated: 2025-05-21. Review status: criteria provided, single submitter. Criteria: Invitae Variant Classification Sherloc (09022015). Collection method: clinical testing. Allele origin: germline.
Comment: This sequence change replaces serine, which is neutral and polar, with phenylalanine, which is neutral and non-polar, at codon 417 of the PALB2 protein (p.Ser417Phe). This variant is not present in population databases (gnomAD no frequency). This variant has not been reported in the literature in individuals affected with PALB2-related conditions. ClinVar contains an entry for this variant (Variation ID: 3227984). Invitae Evidence Modeling of protein sequence and biophysical properties (such as structural, functional, and spatial information, amino acid conservation, physicochemical variation, residue mobility, and thermodynamic stability) indicates that this missense variant is expected to disrupt PALB2 protein function with a positive predictive value of 80%. In summary, the available evidence is currently insufficient to determine the role of this variant in disease. Therefore, it has been classified as a Variant of Uncertain Significance.

Ambry Genetics
Classification: Uncertain significance for Hereditary cancer-predisposing syndrome. Last evaluated: 2024-03-13. Review status: criteria provided, single submitter. Criteria: Ambry Variant Classification Scheme 2023. Collection method: clinical testing. Allele origin: germline.
Comment: The p.S417F variant (also known as c.1250C>T), located in coding exon 4 of the PALB2 gene, results from a C to T substitution at nucleotide position 1250. The serine at codon 417 is replaced by phenylalanine, an amino acid with highly dissimilar properties. This amino acid position is highly conserved in available vertebrate species. In addition, this alteration is predicted to be deleterious by in silico analysis. Based on the available evidence, the clinical significance of this alteration remains unclear.

NM_024675.4(PALB2):c.1250C>T (p.Ser417Phe)

Gene: PALB2 (partner and localizer of BRCA2; minus strand). Cytogenetic location: 16p12.2.
Variant type: single nucleotide variant.
Coding change: c.1250C>T on transcript NM_024675.4 (MANE Select); coding-DNA position 1250, C replaced by T.
Protein change: p.Ser417Phe; replaces serine 417 with phenylalanine.
Molecular consequence: missense variant. On other transcripts: intron variant (3).
Genome position (GRCh38, 1-based): chr16:23,635,296, G>A on the plus strand (C>T on the coding strand, the complement: PALB2 is on the minus strand). VCF-style: chr16-23635296-G-A. GRCh37 (hg19) VCF-style: chr16-23646617-G-A.
Other names: c.1190C>T, p.Ser397Phe (NM_001407296.1); c.1250C>T, p.Ser417Phe (NM_001407297.1, NM_001407298.1, NM_001407299.1 and 3 more transcripts); c.365C>T, p.Ser122Phe (NM_001407304.1, NM_001407305.1, NM_001407306.1 and 5 more transcripts); c.48+5814C>T (NM_001407314.1); c.-104-4827C>T (NM_001407313.1, NM_001407312.1); short protein forms S122F, S397F, S417F.
Identifiers: ClinVar variation 3227984 (VCV003227984.2), dbSNP rs45510998, ClinGen allele CA395132883.